The following is an entry in ClinVar:

ClinVar aggregate classification (germline): Pathogenic/Likely pathogenic. Review status: criteria provided, multiple submitters, no conflicts (2 of 4 stars). 2 submissions from 2 submitters: Pathogenic (1); Likely pathogenic (1). Last evaluated 2025-01-15.

Submissions (2):

Labcorp Genetics (formerly Invitae), Labcorp
Classification: Pathogenic. Last evaluated: 2025-01-15. Review status: criteria provided, single submitter. Criteria: Invitae Variant Classification Sherloc (09022015). Collection method: clinical testing. Allele origin: germline.
Comment: This sequence change creates a premature translational stop signal (p.Cys308Leufs*7) in the UROD gene. While this is not anticipated to result in nonsense mediated decay, it is expected to disrupt the last 60 amino acid(s) of the UROD protein. This variant is not present in population databases (gnomAD no frequency). This variant has not been reported in the literature in individuals affected with UROD-related conditions. ClinVar contains an entry for this variant (Variation ID: 1691428). Algorithms developed to predict the effect of sequence changes on RNA splicing suggest that this variant may disrupt the consensus splice site. This variant disrupts a region of the UROD protein in which other variant(s) (c.942G>A) have been determined to be pathogenic (PMID: 9792863). This suggests that this is a clinically significant region of the protein, and that variants that disrupt it are likely to be disease-causing. For these reasons, this variant has been classified as Pathogenic.

Mayo Clinic Laboratories, Mayo Clinic
Classification: Likely pathogenic. Last evaluated: 2021-12-01. Review status: criteria provided, single submitter. Criteria: ACMG Guidelines, 2015. Collection method: clinical testing. Allele origin: germline.
Comment: PM2, PVS1_strong

Literature cited by the submitters: PubMed 9792863 (cited by Labcorp Genetics (formerly Invitae), Labcorp).

NM_000374.5(UROD):c.921dup (p.Cys308fs)

Gene: UROD (uroporphyrinogen decarboxylase; plus strand). Cytogenetic location: 1p34.1.
Variant type: Duplication.
Coding change: c.921dup on transcript NM_000374.5 (MANE Select); coding-DNA position 921, one base duplicated (C; older notation c.921dupC).
Protein change: p.Cys308fs; shifts the reading frame from cysteine 308.
Molecular consequence: frameshift variant. On other transcripts: non-coding transcript variant (3).
Genome position (GRCh38, 1-based): chr1:45,014,985, C duplicated; the last of 4 consecutive C bases (chr1:45,014,982-45,014,985); duplicating any one gives the same sequence. VCF-style (leftmost placement, unchanged base first): chr1-45014981-A-AC. GRCh37 (hg19) VCF-style: chr1-45480653-A-AC.
Other names: p.Cys308Leufs*7; short protein forms C308fs.
Identifiers: ClinVar variation 1691428 (VCV001691428.7), dbSNP rs2148983625, ClinGen allele CA2573132410.